The following is an entry in ClinVar:

ClinVar aggregate classification (germline): Pathogenic/Likely pathogenic. Review status: criteria provided, multiple submitters, no conflicts (2 of 4 stars). 2 submissions from 2 submitters: Pathogenic (1); Likely pathogenic (1). Last evaluated 2019-12-13.

Conditions:
Cardiovascular phenotype. Identifiers: MedGen CN230736.
Arrhythmogenic right ventricular dysplasia 9 (ARVD9). Also called: ARRHYTHMOGENIC RIGHT VENTRICULAR DYSPLASIA, FAMILIAL, 9; Arrhythmogenic Right Ventricular Dysplasia/Cardiomyopathy 9. Identifiers: MedGen C1836906, MONDO:0012180, OMIM 609040.

Allele frequency attached by ClinVar (database versions not stated): gnomAD exomes below 0.00001; ExAC 0.00001.
gnomAD v4.1: 1 of 1,609,280 alleles (0.000062%); highest among the groups gnomAD compares: Non-Finnish European, 0.000085%; no homozygotes.

Submissions (2):

Labcorp Genetics (formerly Invitae), Labcorp
Classification: Likely pathogenic for Arrhythmogenic right ventricular dysplasia 9. Last evaluated: 2019-12-13. Review status: criteria provided, single submitter. Criteria: Invitae Variant Classification Sherloc (09022015). Collection method: clinical testing. Allele origin: germline.
Comment: This sequence change affects a donor splice site in intron 5 of the PKP2 gene. It is expected to disrupt RNA splicing and likely results in an absent or disrupted protein product. This variant is present in population databases (rs762103704, ExAC 0.002%). This variant has not been reported in the literature in individuals with PKP2-related conditions. Algorithms developed to predict the effect of sequence changes on RNA splicing suggest that this variant may disrupt the consensus splice site, but this prediction has not been confirmed by published transcriptional studies. Donor and acceptor splice site variants typically lead to a loss of protein function (PMID: 16199547), and loss-of-function variants in PKP2 are known to be pathogenic (PMID: 15489853, 23911551). In summary, the currently available evidence indicates that the variant is pathogenic, but additional data are needed to prove that conclusively. Therefore, this variant has been classified as Likely Pathogenic.

Ambry Genetics
Classification: Pathogenic for Cardiovascular phenotype. Last evaluated: 2019-10-07. Review status: criteria provided, single submitter. Criteria: Ambry Variant Classification Scheme 2023. Collection method: clinical testing. Allele origin: germline.
Comment: The c.1378+2T>A intronic pathogenic mutation results from a T to A substitution two nucleotides after coding exon 5 in the PKP2 gene. This variant was not reported in population-based cohorts in the Genome Aggregation Database (gnomAD). Alterations that disrupt the canonical splice site are expected to cause aberrant splicing, resulting in an abnormal protein or a transcript that is subject to nonsense-mediated mRNA decay. As such, this alteration is classified as a disease-causing mutation.

Literature cited by the submitters: PubMed 16199547 (cited by Labcorp Genetics (formerly Invitae), Labcorp); PubMed 15489853 (cited by Labcorp Genetics (formerly Invitae), Labcorp); PubMed 23911551 (cited by Labcorp Genetics (formerly Invitae), Labcorp).

NM_001005242.3(PKP2):c.1378+2T>A

Gene: PKP2 (plakophilin 2; minus strand). Cytogenetic location: 12p11.21.
Variant type: single nucleotide variant.
Coding change: c.1378+2T>A on transcript NM_001005242.3 (MANE Select); the canonical splice donor site of the intron after coding-DNA position 1378, T replaced by A.
Molecular consequence: splice donor variant.
Genome position (GRCh38, 1-based): chr12:32,850,764, A>T on the plus strand (T>A on the coding strand, the complement: PKP2 is on the minus strand). VCF-style: chr12-32850764-A-T. GRCh37 (hg19) VCF-style: chr12-33003698-A-T.
Other names: c.1378+2T>A (NM_001407156.1, NM_001407155.1, NM_004572.4 and 2 more transcripts); c.1051+2T>A (NM_001407160.1, NM_001407159.1, NM_001407158.1 and 1 more transcripts).
Identifiers: ClinVar variation 201984 (VCV000201984.12), dbSNP rs762103704, ClinGen allele CA011010.